The following is an entry in ClinVar:

NM_138370.3(PKDCC):c.943G>A (p.Glu315Lys)

Gene: PKDCC (protein kinase domain containing, cytoplasmic; plus strand). Cytogenetic location: 2p21.
Variant type: single nucleotide variant.
Coding change: c.943G>A on transcript NM_138370.3 (MANE Select); coding-DNA position 943, G replaced by A.
Protein change: p.Glu315Lys; replaces glutamic acid 315 with lysine.
Molecular consequence: missense variant.
Genome position (GRCh38, 1-based): chr2:42,054,216, G>A. VCF-style: chr2-42054216-G-A. GRCh37 (hg19) VCF-style: chr2-42281356-G-A.
Other names: short protein forms E315K.
Identifiers: ClinVar variation 1927790 (VCV001927790.3), dbSNP rs543609482, ClinGen allele CA1628073.

ClinVar aggregate classification (germline): Uncertain significance (1 of 4 stars; one submission).

Allele frequency attached by ClinVar (database versions not stated): ExAC 0.00004; 1000 Genomes Project 30x 0.00016; 1000 Genomes Project 0.00020.
gnomAD v4.1: 42 of 1,604,138 alleles (0.0026%); highest among the groups gnomAD compares: Middle Eastern, 0.017%; no homozygotes.

Submission:

Labcorp Genetics (formerly Invitae), Labcorp
Classification: Uncertain significance. Last evaluated: 2022-04-28. Review status: criteria provided, single submitter. Criteria: Invitae Variant Classification Sherloc (09022015). Collection method: clinical testing. Allele origin: germline.
Comment: This sequence change replaces glutamic acid, which is acidic and polar, with lysine, which is basic and polar, at codon 315 of the PKDCC protein (p.Glu315Lys). This variant is present in population databases (rs543609482, gnomAD 0.01%). This variant has not been reported in the literature in individuals affected with PKDCC-related conditions. Algorithms developed to predict the effect of missense changes on protein structure and function are either unavailable or do not agree on the potential impact of this missense change (SIFT: "Deleterious"; PolyPhen-2: "Benign"; Align-GVGD: "Class C55"). In summary, the available evidence is currently insufficient to determine the role of this variant in disease. Therefore, it has been classified as a Variant of Uncertain Significance.